The following is an entry in ClinVar:

ClinVar aggregate classification (germline): Uncertain significance (1 of 4 stars; one submission).

Allele frequency attached by ClinVar (database versions not stated): gnomAD exomes below 0.00001.
gnomAD v4.1: 14 of 1,613,914 alleles (0.00087%); highest among the groups gnomAD compares: South Asian, 0.0022%; no homozygotes.

Submission:

CeGaT Center for Human Genetics Tuebingen
Classification: Uncertain significance. Last evaluated: 2022-05-01. Review status: criteria provided, single submitter. Criteria: CeGaT Center For Human Genetics Tuebingen Variant Classification Criteria Version 2. Collection method: clinical testing. Allele origin: germline. Affected: yes. Observed: 1 variant allele.
Comment: GRN: PM2

NM_002087.4(GRN):c.1097G>A (p.Cys366Tyr)

Gene: GRN (granulin precursor; plus strand). Cytogenetic location: 17q21.31.
Variant type: single nucleotide variant.
Coding change: c.1097G>A on transcript NM_002087.4 (MANE Select); coding-DNA position 1097, G replaced by A.
Protein change: p.Cys366Tyr; replaces cysteine 366 with tyrosine.
Molecular consequence: missense variant.
Genome position (GRCh38, 1-based): chr17:44,351,713, G>A. VCF-style: chr17-44351713-G-A. GRCh37 (hg19) VCF-style: chr17-42429081-G-A.
Other names: short protein forms C366Y.
Identifiers: ClinVar variation 1694847 (VCV001694847.31), dbSNP rs878886923, ClinGen allele CA290926425.
Genomic context (GRCh38, chr17:44,351,713, plus strand): 5'-AGAAGGCCCCAGCTCACCTCAGCCTGCCAGACCCACAAGCCTTGAAGAGAGATGTCCCCT[G>A]TGATAATGTCAGCAGCTGTCCCTCCTCCGATACCTGCTGCCAACTCACGTCTGGGGAGTG-3'
Protein context (NP_002078.1, residues 356-376): DPQALKRDVP[Cys366Tyr]DNVSSCPSSD